The following is an entry in ClinVar:

ClinVar aggregate classification (germline): Pathogenic/Likely pathogenic. Review status: criteria provided, multiple submitters, no conflicts (2 of 4 stars). 8 submissions from 8 submitters: Pathogenic (4); Likely pathogenic (1). 3 of the submissions do not count toward it. Last evaluated 2026-06-23.

Conditions:
FGFR3-related disorder. Also called: FGFR3-related disorders.
Hypochondroplasia (HCH). Identifiers: Orphanet 429, MedGen C0410529, MONDO:0007793, OMIM 146000. Disease mechanism: gain of function.
FGFR3-related chondrodysplasia. Identifiers: Orphanet 93420, MedGen C5681604, MONDO:0019685.

gnomAD v4.1: 1 of 1,613,214 alleles (0.000062%); highest among the groups gnomAD compares: Non-Finnish European, 0.000085%; no homozygotes.

Submissions (8):

Genomenon, Inc
Classification: Pathogenic for FGFR3-related chondrodysplasia. Last evaluated: 2026-06-23. Review status: criteria provided, single submitter. Criteria: Genomenon Sequence Variant Interpretation Standards - Updated. Collection method: curation. Allele origin: germline. Affected: yes.
Comment: FGFR3 p.Asn540Thr (c.1619A>C) is a missense variant that changes the amino acid at codon 540 from Asparagine to Threonine. This variant has been observed in at least one proband with an FGFR3-related disorder (PMID:37814549;35438268;9452043). The variant was found to segregate with disease in at least one affected family. (PMID:35438268;9452043). This variant is located in a mutational hotspot and/or important functional domain. It is absent or not present at a significant frequency in gnomAD. In silico models predict that this variant is possibly or probably damaging. In conclusion, we classify FGFR3 p.Asn540Thr (c.1619A>C) as a pathogenic variant.

Labcorp Genetics (formerly Invitae), Labcorp
Classification: Pathogenic. Last evaluated: 2025-08-18. Review status: criteria provided, single submitter. Criteria: Invitae Variant Classification Sherloc (09022015). Collection method: clinical testing. Allele origin: germline.
Comment: This sequence change replaces asparagine, which is neutral and polar, with threonine, which is neutral and polar, at codon 540 of the FGFR3 protein (p.Asn540Thr). This variant is not present in population databases (gnomAD no frequency). This missense change has been observed in individuals with clinical features of autosomal dominant hypochondroplasia (PMID: 9452043; internal data). It has also been observed to segregate with disease in related individuals. This variant is also known as c.1658A>C. ClinVar contains an entry for this variant (Variation ID: 16344). Invitae Evidence Modeling of protein sequence and biophysical properties (such as structural, functional, and spatial information, amino acid conservation, physicochemical variation, residue mobility, and thermodynamic stability) indicates that this missense variant is expected to disrupt FGFR3 protein function with a positive predictive value of 95%. This variant disrupts the p.Asn540 amino acid residue in FGFR3. Other variant(s) that disrupt this residue have been determined to be pathogenic (PMID: 7670477, 8589686, 9452043, 25614871). This suggests that this residue is clinically significant, and that variants that disrupt this residue are likely to be disease-causing. For these reasons, this variant has been classified as Pathogenic.

GeneDx
Classification: Pathogenic. Last evaluated: 2023-12-11. Review status: criteria provided, single submitter. Criteria: GeneDx Variant Classification Process June 2021. Collection method: clinical testing. Allele origin: germline. Affected: yes.
Comment: In silico analysis supports that this missense variant has a deleterious effect on protein structure/function; Not observed at significant frequency in large population cohorts (gnomAD); This variant is associated with the following publications: (PMID: 25728633, 9452043, 30048571, 30681580, 35438268)

Blueprint Genetics
Classification: Pathogenic for FGFR3-related disorders. Last evaluated: 2023-01-30. Review status: criteria provided, single submitter. Criteria: ACMG Guidelines, 2015. Collection method: clinical testing. Allele origin: germline. Affected: yes. Observed: 2 variant alleles.

Institute for Medical Genetics and Human Genetics, Charité - Universitätsmedizin Berlin
Classification: Likely pathogenic for Hypochondroplasia. Review status: criteria provided, single submitter. Criteria: ACMG Guidelines, 2015. Collection method: not provided. Allele origin: germline. Inheritance: Autosomal dominant inheritance. Affected: yes.

OMIM
Classification: Pathogenic for HYPOCHONDROPLASIA. Last evaluated: 1998-01-01. Review status: no assertion criteria provided. Collection method: literature only. Allele origin: germline. Not counted in ClinVar's aggregate classification.

Clinical Genetics DNA and cytogenetics Diagnostics Lab, Erasmus MC, Erasmus Medical Center
Classification: Pathogenic. Review status: no assertion criteria provided. Collection method: clinical testing. Allele origin: germline. Affected: yes. Study: VKGL Data-share Consensus. Not counted in ClinVar's aggregate classification.

Joint Genome Diagnostic Labs from Nijmegen and Maastricht, Radboudumc and MUMC+
Classification: Pathogenic. Review status: no assertion criteria provided. Collection method: clinical testing. Allele origin: germline. Affected: yes. Study: VKGL Data-share Consensus. Not counted in ClinVar's aggregate classification.

Literature cited by the submitters: PubMed 37814549 (cited by Genomenon, Inc); PubMed 35438268 (cited by Genomenon, Inc); PubMed 9452043 (cited by 3 submitters); PubMed 38461804 (cited by Genomenon, Inc); PubMed 30048571 (cited by Genomenon, Inc); PubMed 25728633 (cited by Genomenon, Inc); PubMed 16418051 (cited by Genomenon, Inc); PubMed 34582081 (cited by Genomenon, Inc); PubMed 31888683 (cited by Genomenon, Inc); PubMed 30681580 (cited by Genomenon, Inc); PubMed 29736252 (cited by Genomenon, Inc); PubMed 26350084 (cited by Genomenon, Inc); PubMed 26770560 (cited by Genomenon, Inc); PubMed 10425034 (cited by Genomenon, Inc); PubMed 10696568 (cited by Genomenon, Inc); PubMed 10777366 (cited by Genomenon, Inc); PubMed 11241532 (cited by Genomenon, Inc); PubMed 12707965 (cited by Genomenon, Inc); PubMed 12784193 (cited by Genomenon, Inc); PubMed 16575888 (cited by Genomenon, Inc); PubMed 18000903 (cited by Genomenon, Inc); PubMed 19449430 (cited by Genomenon, Inc); PubMed 21910223 (cited by Genomenon, Inc); PubMed 22302603 (cited by Genomenon, Inc); PubMed 23726269 (cited by Genomenon, Inc); PubMed 24411048 (cited by Genomenon, Inc); PubMed 17103447 (cited by Genomenon, Inc); PubMed 11071087 (cited by Genomenon, Inc); PubMed 16838304 (cited by Genomenon, Inc); PubMed 11055896 (cited by Genomenon, Inc); PubMed 16186508 (cited by Genomenon, Inc); PubMed 25614871 (cited by Genomenon, Inc and Labcorp Genetics (formerly Invitae), Labcorp); PubMed 25505998 (cited by Genomenon, Inc); PubMed 24790322 (cited by Genomenon, Inc); PubMed 23614116 (cited by Genomenon, Inc); PubMed 7670477 (cited by Labcorp Genetics (formerly Invitae), Labcorp); PubMed 8589686 (cited by Labcorp Genetics (formerly Invitae), Labcorp).

NM_000142.5(FGFR3):c.1619A>C (p.Asn540Thr)

Gene: FGFR3 (fibroblast growth factor receptor 3; plus strand). Cytogenetic location: 4p16.3.
Variant type: single nucleotide variant.
Coding change: c.1619A>C on transcript NM_000142.5 (MANE Select); coding-DNA position 1619, A replaced by C.
Protein change: p.Asn540Thr; replaces asparagine 540 with threonine.
Molecular consequence: missense variant. On other transcripts: non-coding transcript variant (1).
Genome position (GRCh38, 1-based): chr4:1,805,643, A>C. VCF-style: chr4-1805643-A-C. GRCh37 (hg19) VCF-style: chr4-1807370-A-C.
Other names: c.1625A>C, p.Asn542Thr (NM_001163213.2); c.1622A>C, p.Asn541Thr (NM_001354809.2, NM_001354810.2); c.1283A>C, p.Asn428Thr (NM_022965.4); short protein forms N540T, N542T, N428T, N541T.
Identifiers: ClinVar variation 16344 (VCV000016344.25), dbSNP rs77722678, ClinGen allele CA341415.